The following is an entry in ClinVar:

ClinVar aggregate classification (germline): Uncertain significance. Review status: criteria provided, multiple submitters, no conflicts (2 of 4 stars). 3 submissions from 3 submitters: Uncertain significance (3). Last evaluated 2026-03-12.

Conditions:
Acrocallosal syndrome (ACLS). Also called: HALLUX DUPLICATION, POSTAXIAL POLYDACTYLY, AND ABSENCE OF CORPUS CALLOSUM; Schinzel syndrome 1; Absence of corpus callosum with unusual facial appearance, mental deficiency, duplication of the halluces and polydactyly. Identifiers: Orphanet 36, MedGen C0796147, MONDO:0008708, OMIM 200990.
KIF7-related disorder. Also called: KIF7-related condition.

gnomAD v4.1: 42 of 1,610,384 alleles (0.0026%); highest among the groups gnomAD compares: East Asian, 0.047%; no homozygotes.

Submissions (3):

PreventionGenetics, part of Exact Sciences
Classification: Uncertain significance for KIF7-related condition. Last evaluated: 2026-03-12. Review status: criteria provided, single submitter. Criteria: ACMG Guidelines, 2015. Collection method: clinical testing. Allele origin: germline.
Comment: The KIF7 c.3365C>T variant is predicted to result in the amino acid substitution p.Ser1122Leu. To our knowledge, this variant has not been reported in the literature. This variant is reported in 0.025% of alleles in individuals of East Asian descent in gnomAD. At this time, the clinical significance of this variant is uncertain due to the absence of conclusive functional and genetic evidence.

Blueprint Genetics
Classification: Uncertain significance. Last evaluated: 2024-01-29. Review status: criteria provided, single submitter. Criteria: ACMG Guidelines, 2015. Collection method: clinical testing. Allele origin: germline.

Labcorp Genetics (formerly Invitae), Labcorp
Classification: Uncertain significance for Acrocallosal syndrome. Last evaluated: 2022-03-18. Review status: criteria provided, single submitter. Criteria: Invitae Variant Classification Sherloc (09022015). Collection method: clinical testing. Allele origin: germline.
Comment: This variant has not been reported in the literature in individuals affected with KIF7-related conditions. This variant is present in population databases (rs202195179, gnomAD 0.03%). This sequence change replaces serine, which is neutral and polar, with leucine, which is neutral and non-polar, at codon 1122 of the KIF7 protein (p.Ser1122Leu). Algorithms developed to predict the effect of missense changes on protein structure and function are either unavailable or do not agree on the potential impact of this missense change (SIFT: "Deleterious"; PolyPhen-2: "Probably Damaging"; Align-GVGD: "Class C15"). In summary, the available evidence is currently insufficient to determine the role of this variant in disease. Therefore, it has been classified as a Variant of Uncertain Significance.

NM_198525.3(KIF7):c.3365C>T (p.Ser1122Leu)

Genes: KIF7 (kinesin family member 7; minus strand), LOC126862216 (BRD4-independent group 4 enhancer GRCh37_chr15:90171995-90173194; plus strand). Cytogenetic location: 15q26.1.
Variant type: single nucleotide variant.
Coding change: c.3365C>T on transcript NM_198525.3 (MANE Select); coding-DNA position 3365, C replaced by T.
Protein change: p.Ser1122Leu; replaces serine 1122 with leucine.
Molecular consequence: missense variant.
Genome position (GRCh38, 1-based): chr15:89,629,527, G>A on the plus strand (C>T on the coding strand, the complement: KIF7 is on the minus strand). VCF-style: chr15-89629527-G-A. GRCh37 (hg19) VCF-style: chr15-90172758-G-A.
Other names: c.3365C>T (NM_198525.2); short protein forms S1122L.
Identifiers: ClinVar variation 1416876 (VCV001416876.8), dbSNP rs202195179, ClinGen allele CA7727726.
Genomic context (GRCh38, chr15:89,629,527, plus strand): 5'-AGGGCCACCTCCAGCCAGTACACCAGCCTCTGCTGCTCCTCCAGCTGCATCTCCAGTTCC[G>A]AGAAGGCAATCTGCTGCTGGTGCTGCTCCTCTCGGAGCGTCACCACCTGTCCCAAGACCC-3'
Protein context (NP_940927.2, residues 1112-1132): EEQHQQQIAF[Ser1122Leu]ELEMQLEEQQ